The following is an entry in ClinVar:

ClinVar aggregate classification (germline): Pathogenic. Review status: criteria provided, multiple submitters, no conflicts (2 of 4 stars). 5 submissions from 5 submitters: Pathogenic (5). Last evaluated 2024-12-30.

Conditions:
Ataxia-telangiectasia syndrome (AT). Also called: Ataxia-telangiectasia; LOUIS-BAR SYNDROME; Ataxia-telangiectasia, complementation group D; AT, COMPLEMENTATION GROUP C; ATAXIA-TELANGIECTASIA, COMPLEMENTATION GROUP A; ATAXIA-TELANGIECTASIA, FRESNO VARIANT. Identifiers: Orphanet 100, MedGen C0004135, MONDO:0008840, OMIM 208900.
Familial cancer of breast. Also called: BREAST CANCER, FAMILIAL; Hereditary breast cancer; hereditary breast carcinoma. Identifiers: Orphanet 227535, MedGen C0346153, MONDO:0016419, OMIM 114480. Disease mechanism: loss of function.

gnomAD v4.1: 1 of 1,362,238 alleles (0.000073%); highest among the groups gnomAD compares: African/African-American, 0.0015%; no homozygotes.

Submissions (5):

GeneDx
Classification: Pathogenic. Last evaluated: 2024-12-30. Review status: criteria provided, single submitter. Criteria: GeneDx Variant Classification Process June 2021. Collection method: clinical testing. Allele origin: germline. Affected: yes.
Comment: Nonsense variant predicted to result in protein truncation or nonsense mediated decay in a gene for which loss of function is a known mechanism of disease; Not observed at significant frequency in large population cohorts (gnomAD); Truncating variants in this gene are considered pathogenic by a well-established clinical consortium and/or database; This variant is associated with the following publications: (PMID: 21965147)

Myriad Genetics, Inc.
Classification: Pathogenic for Familial cancer of breast. Last evaluated: 2024-01-30. Review status: criteria provided, single submitter. Criteria: Myriad Autosomal Dominant, Autosomal Recessive and X-Linked Classification Criteria (2023). Collection method: clinical testing. Allele origin: unknown.
Comment: This variant is considered pathogenic. This variant creates a termination codon and is predicted to result in premature protein truncation.

Baylor Genetics
Classification: Pathogenic for Familial cancer of breast. Last evaluated: 2023-09-13. Review status: criteria provided, single submitter. Criteria: ACMG Guidelines, 2015. Collection method: clinical testing. Allele origin: unknown.

Labcorp Genetics (formerly Invitae), Labcorp
Classification: Pathogenic for Ataxia-telangiectasia syndrome. Last evaluated: 2023-07-03. Review status: criteria provided, single submitter. Criteria: Invitae Variant Classification Sherloc (09022015). Collection method: clinical testing. Allele origin: germline.
Comment: For these reasons, this variant has been classified as Pathogenic. ClinVar contains an entry for this variant (Variation ID: 1457306). This premature translational stop signal has been observed in individual(s) with ataxia-telangiectasia (PMID: 21965147). This variant is not present in population databases (gnomAD no frequency). This sequence change creates a premature translational stop signal (p.Ser2192*) in the ATM gene. It is expected to result in an absent or disrupted protein product. Loss-of-function variants in ATM are known to be pathogenic (PMID: 23807571, 25614872).

Mendelics
Classification: Pathogenic for Familial cancer of breast. Last evaluated: 2022-05-04. Review status: criteria provided, single submitter. Criteria: Mendelics Assertion Criteria 2019. Collection method: clinical testing. Allele origin: germline.

Literature cited by the submitters: PubMed 21965147 (cited by Labcorp Genetics (formerly Invitae), Labcorp); PubMed 23807571 (cited by Labcorp Genetics (formerly Invitae), Labcorp); PubMed 25614872 (cited by Labcorp Genetics (formerly Invitae), Labcorp).

NM_000051.4(ATM):c.6575C>G (p.Ser2192Ter)

Genes: ATM (ATM serine/threonine kinase; plus strand), C11orf65 (chromosome 11 open reading frame 65; minus strand). Cytogenetic location: 11q22.3.
Variant type: single nucleotide variant.
Coding change: c.6575C>G on transcript NM_000051.4 (MANE Select); coding-DNA position 6575, C replaced by G.
Protein change: p.Ser2192Ter; replaces serine 2192 with a stop codon.
Molecular consequence: nonsense. On other transcripts: intron variant (2).
Genome position (GRCh38, 1-based): chr11:108,325,312, C>G. VCF-style: chr11-108325312-C-G. GRCh37 (hg19) VCF-style: chr11-108196039-C-G.
Other names: c.6575C>G, p.Ser2192Ter (NM_001351834.2); c.641-16241G>C (NM_001330368.2); c.*38+9908G>C (NM_001351110.2); short protein forms S2192*.
Identifiers: ClinVar variation 1457306 (VCV001457306.11), dbSNP rs2136306738, ClinGen allele CA382554647.